The following is an entry in ClinVar:

ClinVar aggregate classification (germline): Uncertain significance. Review status: criteria provided, multiple submitters, no conflicts (2 of 4 stars). 2 submissions from 2 submitters: Uncertain significance (2). Last evaluated 2019-10-09.

Conditions:
Hereditary nonpolyposis colorectal neoplasms. Identifiers: MedGen C0009405, MeSH D003123.

Allele frequency attached by ClinVar (database versions not stated): TOPMed below 0.00001.

Submissions (2):

Labcorp Genetics (formerly Invitae), Labcorp
Classification: Uncertain significance for Hereditary nonpolyposis colorectal neoplasms. Last evaluated: 2019-10-09. Review status: criteria provided, single submitter. Criteria: Invitae Variant Classification Sherloc (09022015). Collection method: clinical testing. Allele origin: germline.
Comment: In summary, the available evidence is currently insufficient to determine the role of this variant in disease. Therefore, it has been classified as a Variant of Uncertain Significance. Algorithms developed to predict the effect of missense changes on protein structure and function (SIFT, PolyPhen-2, Align-GVGD) all suggest that this variant is likely to be tolerated, but these predictions have not been confirmed by published functional studies and their clinical significance is uncertain. This variant has not been reported in the literature in individuals with MSH6-related conditions. This variant is not present in population databases (ExAC no frequency). This sequence change replaces alanine with proline at codon 350 of the MSH6 protein (p.Ala350Pro). The alanine residue is weakly conserved and there is a small physicochemical difference between alanine and proline.

Laboratory for Molecular Medicine, Mass General Brigham Personalized Medicine
Classification: Uncertain significance. Last evaluated: 2018-10-16. Review status: criteria provided, single submitter. Criteria: LMM Criteria. Collection method: clinical testing. Allele origin: germline. Observed: 1 variant allele.
Comment: The p.Ala350Pro variant in MSH6 has not been reported in individuals with MSH6-a ssociated cancers or in large population databases. Computational prediction too ls and conservation analysis suggest that the p.Ala350Pro variant may not impact the protein. In summary, the clinical significance of the p.Ala350Pro variant i s uncertain. ACMG/AMP Criteria applied: BP4, PM2.

NM_000179.3(MSH6):c.1048G>C (p.Ala350Pro)

Gene: MSH6 (mutS homolog 6; plus strand). Cytogenetic location: 2p16.3.
Variant type: single nucleotide variant.
Coding change: c.1048G>C on transcript NM_000179.3 (MANE Select); coding-DNA position 1048, G replaced by C.
Protein change: p.Ala350Pro; replaces alanine 350 with proline.
Molecular consequence: missense variant.
Genome position (GRCh38, 1-based): chr2:47,799,031, G>C. VCF-style: chr2-47799031-G-C. GRCh37 (hg19) VCF-style: chr2-48026170-G-C.
Other names: c.658G>C, p.Ala220Pro (NM_001281492.2); c.142G>C, p.Ala48Pro (NM_001281493.2, NM_001281494.2); short protein forms A220P, A48P, A350P.
Identifiers: ClinVar variation 666858 (VCV000666858.14), dbSNP rs1425548621, ClinGen allele CA346741513.
Genomic context (GRCh38, chr2:47,799,031, plus strand): 5'-TCATCAGAAACCAAGAATACTTTGAGAGCTTTCTCTGCCCCTCAAAATTCTGAATCCCAA[G>C]CCCACGTTAGTGGAGGTGGTGATGACAGTAGTCGCCCTACTGTTTGGTATCATGAAACTT-3'
Protein context (NP_000170.1, residues 340-360): FSAPQNSESQ[Ala350Pro]HVSGGGDDSS